The following is an entry in ClinVar:

NM_004525.3(LRP2):c.5123G>A (p.Arg1708His)

Gene: LRP2 (LDL receptor related protein 2; minus strand). Cytogenetic location: 2q31.1.
Variant type: single nucleotide variant.
Coding change: c.5123G>A on transcript NM_004525.3 (MANE Select); coding-DNA position 5123, G replaced by A.
Protein change: p.Arg1708His; replaces arginine 1708 with histidine.
Molecular consequence: missense variant.
Genome position (GRCh38, 1-based): chr2:169,231,818, C>T on the plus strand (G>A on the coding strand, the complement: LRP2 is on the minus strand). VCF-style: chr2-169231818-C-T. GRCh37 (hg19) VCF-style: chr2-170088328-C-T.
Other names: short protein forms R1708H.
Identifiers: ClinVar variation 332161 (VCV000332161.16), dbSNP rs142221587, ClinGen allele CA1954603.

ClinVar aggregate classification (germline): Conflicting classifications of pathogenicity. Review status: criteria provided, conflicting classifications (1 of 4 stars). 6 submissions from 6 submitters: Uncertain significance (5); Likely benign (1). Last evaluated 2026-01-19.

Conditions:
Donnai-Barrow syndrome. Also called: FACIOOCULOACOUSTICORENAL SYNDROME; DBS/FOAR SYNDROME. Identifiers: Orphanet 2143, MedGen C1857277, MONDO:0009104, OMIM 222448.
Inborn genetic diseases. Identifiers: MedGen C0950123, MeSH D030342.
LRP2-related disorder. Also called: LRP2-related condition.

Allele frequency attached by ClinVar (database versions not stated): gnomAD exomes 0.00004; ExAC 0.00005; ESP Exome Variant Server 0.00008; TOPMed 0.00008; gnomAD 0.00009.
gnomAD v4.1: 72 of 1,613,736 alleles (0.0045%); highest among the groups gnomAD compares: African/African-American, 0.004%; no homozygotes.

Submissions (6):

Labcorp Genetics (formerly Invitae), Labcorp
Classification: Likely benign. Last evaluated: 2026-01-19. Review status: criteria provided, single submitter. Criteria: Invitae Variant Classification Sherloc (09022015). Collection method: clinical testing. Allele origin: germline.

PreventionGenetics, part of Exact Sciences
Classification: Uncertain significance for LRP2-related condition. Last evaluated: 2025-12-11. Review status: criteria provided, single submitter. Criteria: ACMG Guidelines, 2015. Collection method: clinical testing. Allele origin: germline.
Comment: The LRP2 c.5123G>A variant is predicted to result in the amino acid substitution p.Arg1708His. To our knowledge, this variant has not been reported in the literature. This variant is reported in 0.077% of alleles in individuals of Ashkenazi Jewish descent in gnomAD. Although we suspect that this variant may be benign, at this time, the clinical significance of this variant is uncertain due to the absence of conclusive functional and genetic evidence.

Fulgent Genetics
Classification: Uncertain significance for Donnai-Barrow syndrome. Last evaluated: 2024-04-18. Review status: criteria provided, single submitter. Criteria: ACMG Guidelines, 2015. Collection method: clinical testing. Allele origin: germline.

Blueprint Genetics
Classification: Uncertain significance. Last evaluated: 2024-03-11. Review status: criteria provided, single submitter. Criteria: ACMG Guidelines, 2015. Collection method: clinical testing. Allele origin: germline.

Ambry Genetics
Classification: Uncertain significance for Inborn genetic diseases. Last evaluated: 2021-11-05. Review status: criteria provided, single submitter. Criteria: Ambry Variant Classification Scheme 2023. Collection method: clinical testing. Allele origin: germline.

Illumina Laboratory Services, Illumina
Classification: Uncertain significance for Donnai-Barrow syndrome. Last evaluated: 2018-01-13. Review status: criteria provided, single submitter. Criteria: ICSL Variant Classification Criteria 13 December 2019. Collection method: clinical testing. Allele origin: germline.